The following is an entry in ClinVar:

ClinVar aggregate classification (germline): Uncertain significance (1 of 4 stars; one submission).

Conditions:
Hereditary cancer-predisposing syndrome. Also called: Hereditary Cancer Syndrome; Neoplastic Syndromes, Hereditary; Tumor predisposition; Hereditary neoplastic syndrome. Identifiers: Orphanet 140162, MedGen C0027672, MeSH D009386, MONDO:0015356.

Submission:

Ambry Genetics
Classification: Uncertain significance for Hereditary cancer-predisposing syndrome. Last evaluated: 2022-06-21. Review status: criteria provided, single submitter. Criteria: Ambry Variant Classification Scheme 2023. Collection method: clinical testing. Allele origin: germline.
Comment: The p.E1679D variant (also known as c.5037G>C), located in coding exon 38 of the TSC2 gene, results from a G to C substitution at nucleotide position 5037. The glutamic acid at codon 1679 is replaced by aspartic acid, an amino acid with highly similar properties. This amino acid position is conserved. In addition, the in silico prediction for this alteration is inconclusive. Since supporting evidence is limited at this time, the clinical significance of this alteration remains unclear.

NM_000548.5(TSC2):c.5037G>C (p.Glu1679Asp)

Gene: TSC2 (TSC complex subunit 2; plus strand). Cytogenetic location: 16p13.3.
Variant type: single nucleotide variant.
Coding change: c.5037G>C on transcript NM_000548.5 (MANE Select); coding-DNA position 5037, G replaced by C.
Protein change: p.Glu1679Asp; replaces glutamic acid 1679 with aspartic acid.
Molecular consequence: missense variant.
Genome position (GRCh38, 1-based): chr16:2,087,910, G>C. VCF-style: chr16-2087910-G-C. GRCh37 (hg19) VCF-style: chr16-2137911-G-C.
Other names: c.4836G>C, p.Glu1612Asp (NM_001077183.3); c.4968G>C, p.Glu1656Asp (NM_001114382.3); c.4728G>C, p.Glu1576Asp (NM_001318827.2); c.4692G>C, p.Glu1564Asp (NM_001318829.2); c.4305G>C, p.Glu1435Asp (NM_001318831.2); c.4869G>C, p.Glu1623Asp (NM_001318832.2); c.4839G>C, p.Glu1613Asp (NM_001363528.2); c.4905G>C, p.Glu1635Asp (NM_001370404.1); and 26 more; short protein forms E1188D, E1413D, E1479D, E1575D, E1576D, E1606D, E1612D, E1619D.
Identifiers: ClinVar variation 1744925 (VCV001744925.2), dbSNP rs876658185, ClinGen allele CA394311382.